The following is an entry in ClinVar:

GRCh38/hg38 3q27.3-28(chr3:187446231-190839052)x1

Genes: BCL6 (BCL6 transcription repressor; minus strand), BCL6-AS1 (BCL6 antisense RNA 1; plus strand), CLDN1 (claudin 1; minus strand), CLDN16 (claudin 16; plus strand), FLJ42393 (uncharacterized LOC401105; plus strand) and 67 more. Cytogenetic location: 3q27.3-28.
Variant type: copy number loss.
Change: copy number 1 (one copy instead of two) of chr3:187,446,231-190,839,052 (3.39 Mb, GRCh38 coordinates, 1-based), cytogenetic band 3q27.3-28.
Identifiers: ClinVar variation 57871 (VCV000057871.3).

ClinVar aggregate classification (germline): Pathogenic (1 of 4 stars; one submission).

Submission:

ISCA Site 6
Classification: Pathogenic. Last evaluated: 2011-08-12. Review status: criteria provided, single submitter. Criteria: Kaminsky et al. (Genet Med. 2011). Collection method: clinical testing. Allele origin: unknown. Affected: yes. Observed: 1 variant allele.
Comment: Copy number variation identified through the course of routine clinical cytogenomic testing in postnatal populations. Clinical assertions have been curated as described in Kaminsky et al. 2011.